The following is an entry in ClinVar:

ClinVar aggregate classification (germline): Conflicting classifications of pathogenicity. Review status: criteria provided, conflicting classifications (1 of 4 stars). 12 submissions from 11 submitters: Uncertain significance (3); Benign (1); Likely benign (8). Last evaluated 2026-03-09.

Conditions:
Inborn genetic diseases. Identifiers: MedGen C0950123, MeSH D030342.
Charcot-Marie-Tooth disease. Also called: Charcot-Marie-Tooth Neuropathy; Charcot-Marie-Tooth Hereditary Neuropathy. Identifiers: Orphanet 166, MedGen C0007959, MONDO:0015626.
Charcot-Marie-Tooth disease type 2. Also called: Charcot-Marie-Tooth type 2. Identifiers: Orphanet 64746, MedGen C0270914, MONDO:0018993.
Hereditary motor and sensory neuropathy with optic atrophy. Also called: CHARCOT-MARIE-TOOTH DISEASE, TYPE 6; PERIPHERAL NEUROPATHY AND OPTIC ATROPHY. Identifiers: Orphanet 90120, MedGen C0393807, MONDO:0019551.

Allele frequency attached by ClinVar (database versions not stated): ExAC 0.00037; ESP Exome Variant Server 0.00038; gnomAD exomes 0.00046 and 0.00072; gnomAD 0.00052 and 0.00053; TOPMed 0.00062.

Submissions (12):

Women's Health and Genetics/Laboratory Corporation of America, LabCorp
Classification: Likely benign. Last evaluated: 2026-03-09. Review status: criteria provided, single submitter. Criteria: LabCorp Variant Classification Summary - May 2015. Collection method: clinical testing. Allele origin: germline.

Labcorp Genetics (formerly Invitae), Labcorp
Classification: Likely benign for Charcot-Marie-Tooth disease type 2. Last evaluated: 2026-01-18. Review status: criteria provided, single submitter. Criteria: Invitae Variant Classification Sherloc (09022015). Collection method: clinical testing. Allele origin: germline.

Mayo Clinic Laboratories, Mayo Clinic
Classification: Likely benign. Last evaluated: 2025-05-05. Review status: criteria provided, single submitter. Criteria: ACMG Guidelines, 2015. Collection method: clinical testing. Allele origin: germline. Observed: 1 variant allele.
Comment: BP4, BP7

ARUP Laboratories, Molecular Genetics and Genomics, ARUP Laboratories
Classification: Likely benign. Last evaluated: 2024-12-11. Review status: criteria provided, single submitter. Criteria: ARUP Molecular Germline Variant Investigation Process 2024. Collection method: clinical testing. Allele origin: germline.

Blueprint Genetics
Classification: Likely benign. Last evaluated: 2024-11-25. Review status: criteria provided, single submitter. Criteria: ACMG Guidelines, 2015. Collection method: clinical testing. Allele origin: germline.

Ambry Genetics
Classification: Likely benign for Inborn genetic diseases. Last evaluated: 2019-07-11. Review status: criteria provided, single submitter. Criteria: Ambry Variant Classification Scheme 2023. Collection method: clinical testing. Allele origin: germline.

CeGaT Center for Human Genetics Tuebingen
Classification: Likely benign. Last evaluated: 2018-11-01. Review status: criteria provided, single submitter. Criteria: CeGaT Center For Human Genetics Tuebingen Variant Classification Criteria Version 2. Collection method: clinical testing. Allele origin: germline. Affected: yes. Observed: 3 variant alleles.

Illumina Laboratory Services, Illumina
Classification: Uncertain significance for Neuropathy, hereditary motor and sensory, type 6A. Last evaluated: 2017-04-27. Review status: criteria provided, single submitter. Criteria: ICSL Variant Classification Criteria 13 December 2019. Collection method: clinical testing. Allele origin: germline.

Illumina Laboratory Services, Illumina
Classification: Uncertain significance for Charcot-Marie-Tooth disease, type 2. Last evaluated: 2017-04-27. Review status: criteria provided, single submitter. Criteria: ICSL Variant Classification Criteria 13 December 2019. Collection method: clinical testing. Allele origin: germline.

Eurofins Ntd Llc (ga)
Classification: Uncertain significance. Last evaluated: 2015-03-11. Review status: criteria provided, single submitter. Criteria: EGL Classification Definitions 2015. Collection method: clinical testing. Allele origin: germline. Observed: 1 variant allele, 1 heterozygote.

GeneDx
Classification: Benign. Last evaluated: 2014-07-28. Review status: criteria provided, single submitter. Criteria: GeneDx Variant Classification (06012015). Collection method: clinical testing. Allele origin: germline. Affected: yes.
Comment: This variant is considered likely benign or benign based on one or more of the following criteria: it is a conservative change, it occurs at a poorly conserved position in the protein, it is predicted to be benign by multiple in silico algorithms, and/or has population frequency not consistent with disease.

Molecular Genetics Laboratory, London Health Sciences Centre
Classification: Likely benign for Charcot-Marie-Tooth disease. Review status: criteria provided, single submitter. Criteria: ACMG Guidelines, 2015. Collection method: clinical testing. Allele origin: germline. Affected: yes.

NM_014874.4(MFN2):c.756C>T (p.Asn252=)

Gene: MFN2 (mitofusin 2; plus strand). Cytogenetic location: 1p36.22.
Variant type: single nucleotide variant.
Coding change: c.756C>T on transcript NM_014874.4 (MANE Select); coding-DNA position 756, C replaced by T.
Protein change: p.Asn252=; no amino-acid change (asparagine 252 retained).
Molecular consequence: synonymous variant.
Genome position (GRCh38, 1-based): chr1:11,999,035, C>T. VCF-style: chr1-11999035-C-T. GRCh37 (hg19) VCF-style: chr1-12059092-C-T.
Other names: p.N252N:AAC>AAT; p.Asn252=; c.756C>T, p.Asn252= (NM_001127660.2).
Identifiers: ClinVar variation 198868 (VCV000198868.68), dbSNP rs137960129, ClinGen allele CA247721.